The following is an entry in ClinVar:

ClinVar aggregate classification (germline): Uncertain significance (1 of 4 stars; one submission).

Conditions:
Ververi-Brady syndrome. Identifiers: MedGen C4693824, MONDO:0979877, MONDO:0060707.

Submission:

Illumina Laboratory Services, Illumina
Classification: Uncertain significance for Ververi-Brady syndrome 1. Last evaluated: 2020-05-13. Review status: criteria provided, single submitter. Criteria: ICSLVariantClassificationCriteria RUGD 01 April 2020. Collection method: clinical testing. Allele origin: unknown.
Comment: The QRICH1 c.770C>T (p.Ser257Phe) variant is a missense variant. A literature search was performed for the gene, cDNA change, and amino acid change. No publications were found through this search. The variant is absent from the Genome Aggregation Database in a region of good sequencing coverage, suggesting it is rare. The p.Ser257Phe variant is located in a glutamine-rich region but not in a described functionally important domain. To date, missense variants in this gene have not been linked to Ververi-Brady syndrome (Ververi et al. 2018; Lui et al. 2019); however, all reported variants have also occurred de novo. Based on the available evidence, the p.Ser257Phe variant is classified as a variant of uncertain significance for Ververi-Brady syndrome.

Literature cited by the submitters: PubMed 28692176; PubMed 30281152.

NM_198880.3(QRICH1):c.770C>T (p.Ser257Phe)

Gene: QRICH1 (glutamine rich 1; minus strand). Cytogenetic location: 3p21.31.
Variant type: single nucleotide variant.
Coding change: c.770C>T on transcript NM_198880.3 (MANE Select); coding-DNA position 770, C replaced by T.
Protein change: p.Ser257Phe; replaces serine 257 with phenylalanine.
Molecular consequence: missense variant.
Genome position (GRCh38, 1-based): chr3:49,057,430, G>A on the plus strand (C>T on the coding strand, the complement: QRICH1 is on the minus strand). VCF-style: chr3-49057430-G-A. GRCh37 (hg19) VCF-style: chr3-49094863-G-A.
Other names: c.770C>T, p.Ser257Phe (NM_001320580.2, NM_001320581.2, NM_001320582.2 and 4 more transcripts); short protein forms S257F.
Identifiers: ClinVar variation 989278 (VCV000989278.4), dbSNP rs2093409022, ClinGen allele CA352671964.